The following is an entry in ClinVar:

ClinVar aggregate classification (germline): Pathogenic (1 of 4 stars; one submission).

Conditions:
Tatton-Brown-Rahman overgrowth syndrome. Also called: Tatton-Brown-Rahman syndrome; Tall stature-intellectual disability-facial dysmorphism syndrome. Identifiers: Orphanet 404443, MedGen C4014545, MONDO:0014382, OMIM 615879.

Submission:

MVZ Medizinische Genetik Mainz
Classification: Pathogenic for Tatton-Brown-Rahman overgrowth syndrome. Last evaluated: 2024-10-07. Review status: criteria provided, single submitter. Criteria: UK Practice Guidelines For Variant Classification V4 01 2020. Collection method: clinical testing. Allele origin: germline. Inheritance: Autosomal dominant inheritance. Affected: yes. Observed: 1 variant allele.
Comment: ACMG Criteria: PVS1,PS2,PM2_SUP

NM_022552.5(DNMT3A):c.2387del (p.Gly796fs)

Gene: DNMT3A (DNA methyltransferase 3 alpha; minus strand). Cytogenetic location: 2p23.3.
Variant type: Deletion.
Coding change: c.2387del on transcript NM_022552.5 (MANE Select); coding-DNA position 2387, one base deleted (G; older notation c.2387delG).
Protein change: p.Gly796fs; shifts the reading frame from glycine 796.
Molecular consequence: frameshift variant. On other transcripts: non-coding transcript variant (1).
Genome position (GRCh38, 1-based): chr2:25,239,151, C deleted on the plus strand (G on the coding strand, the reverse complement: DNMT3A is on the minus strand); the first of 4 consecutive C bases (chr2:25,239,151-25,239,154); deleting any one gives the same sequence. VCF-style (leftmost placement, unchanged base first): chr2-25239150-AC-A. GRCh37 (hg19) VCF-style: chr2-25462019-AC-A.
Other names: c.1931del, p.Gly644fs (NM_001320893.1); c.1718del, p.Gly573fs (NM_001375819.1); c.1820del, p.Gly607fs (NM_153759.3); c.2387del, p.Gly796fs (NM_175629.2); short protein forms G573fs, G607fs, G644fs, G796fs.
Identifiers: ClinVar variation 3370337 (VCV003370337.1).
Genomic context (GRCh38, chr2:25,239,150, plus strand): 5'-CCCAGCCCACAGCCCCCCAGGCCCAGGAGCTTTCACCAACCTGTTCATACCGGGAAGGTT[AC>A]CCCAGAAGTAGCGGGCCCTGTGTGCAGCTGACACTTCTTTGGCATCAATCATCACAGGGT-3'